The following is an entry in ClinVar:

ClinVar aggregate classification (germline): Uncertain significance (1 of 4 stars; one submission).

Allele frequency attached by ClinVar (database versions not stated): gnomAD exomes below 0.00001.
gnomAD v4.1: 1 of 1,212,147 alleles (0.000082%); highest among the groups gnomAD compares: Non-Finnish European, 0.00011%; no homozygotes.

Submission:

Women's Health and Genetics/Laboratory Corporation of America, LabCorp
Classification: Uncertain significance. Last evaluated: 2023-08-24. Review status: criteria provided, single submitter. Criteria: LabCorp Variant Classification Summary - May 2015. Collection method: clinical testing. Allele origin: germline.
Comment: Variant summary: L1CAM c.3043T>C (p.Ser1015Pro) results in a non-conservative amino acid change in the encoded protein sequence. Four of five in-silico tools predict a benign effect of the variant on protein function. The variant was absent in 183314 control chromosomes (gnomAD). The available data on variant occurrences in the general population are insufficient to allow any conclusion about variant significance. To our knowledge, no occurrence of c.3043T>C in individuals affected with L1 Syndrome and no experimental evidence demonstrating its impact on protein function have been reported. No submitters have cited clinical-significance assessments for this variant to ClinVar after 2014. Based on the evidence outlined above, the variant was classified as uncertain significance.

NM_001278116.2(L1CAM):c.3043T>C (p.Ser1015Pro)

Gene: L1CAM (L1 cell adhesion molecule; minus strand). Cytogenetic location: Xq28.
Variant type: single nucleotide variant.
Coding change: c.3043T>C on transcript NM_001278116.2 (MANE Select); coding-DNA position 3043, T replaced by C.
Protein change: p.Ser1015Pro; replaces serine 1015 with proline.
Molecular consequence: missense variant.
Genome position (GRCh38, 1-based): chrX:153,864,824, A>G on the plus strand (T>C on the coding strand, the complement: L1CAM is on the minus strand). VCF-style: chrX-153864824-A-G. GRCh37 (hg19) VCF-style: chrX-153130279-A-G.
Other names: c.3043T>C, p.Ser1015Pro (NM_000425.5, NM_024003.3); c.3028T>C, p.Ser1010Pro (NM_001143963.2); short protein forms S1010P, S1015P.
Identifiers: ClinVar variation 2581331 (VCV002581331.1), dbSNP rs2520969046, ClinGen allele CA415113638.